The following is an entry in ClinVar:

NM_004168.4(SDHA):c.785C>G (p.Thr262Ser)

Gene: SDHA (succinate dehydrogenase complex flavoprotein subunit A; plus strand). Cytogenetic location: 5p15.33.
Variant type: single nucleotide variant.
Coding change: c.785C>G on transcript NM_004168.4 (MANE Select); coding-DNA position 785, C replaced by G.
Protein change: p.Thr262Ser; replaces threonine 262 with serine.
Molecular consequence: missense variant.
Genome position (GRCh38, 1-based): chr5:230,890, C>G. VCF-style: chr5-230890-C-G. GRCh37 (hg19) VCF-style: chr5-231005-C-G.
Other names: c.641C>G, p.Thr214Ser (NM_001294332.2); c.785C>G, p.Thr262Ser (NM_001330758.2); short protein forms T214S, T262S.
Identifiers: ClinVar variation 5029206 (VCV005029206.1).

ClinVar aggregate classification (germline): Uncertain significance (1 of 4 stars; one submission).

Conditions:
Hereditary cancer-predisposing syndrome. Also called: Neoplastic Syndromes, Hereditary; Tumor predisposition; Hereditary neoplastic syndrome; Hereditary Cancer Syndrome. Identifiers: Orphanet 140162, MedGen C0027672, MeSH D009386, MONDO:0015356.

gnomAD v4.1: 1 of 1,614,012 alleles (0.000062%); highest among the groups gnomAD compares: Non-Finnish European, 0.000085%; no homozygotes.

Submission:

Ambry Genetics
Classification: Uncertain significance for Hereditary cancer-predisposing syndrome. Last evaluated: 2026-08-16. Review status: criteria provided, single submitter. Criteria: Ambry Variant Classification Scheme 2023. Collection method: clinical testing. Allele origin: germline.
Comment: The p.T262S variant (also known as c.785C>G), located in coding exon 7 of the SDHA gene, results from a C to G substitution at nucleotide position 785. The threonine at codon 262 is replaced by serine, an amino acid with similar properties. This amino acid position is conserved. In addition, this alteration is predicted to be tolerated by in silico analysis. Based on the available evidence, the clinical significance of this variant remains unclear.